The following is an entry in ClinVar:

ClinVar aggregate classification (germline): Uncertain significance (1 of 4 stars; one submission).

Allele frequency attached by ClinVar (database versions not stated): TOPMed below 0.00001; gnomAD 0.00001.
gnomAD v4.1: 7 of 1,613,982 alleles (0.00043%); highest among the groups gnomAD compares: Non-Finnish European, 0.00059%; no homozygotes.

Submission:

GeneDx
Classification: Uncertain significance. Last evaluated: 2025-09-10. Review status: criteria provided, single submitter. Criteria: GeneDx Variant Classification Process June 2021. Collection method: clinical testing. Allele origin: germline. Affected: yes.
Comment: Not observed at significant frequency in large population cohorts (gnomAD); In silico analysis supports that this missense variant has a deleterious effect on protein structure/function; Has not been previously published as pathogenic or benign to our knowledge

NM_206933.4(USH2A):c.2621T>C (p.Val874Ala)

Genes: USH2A (usherin; minus strand), LOC122152296 (Sharpr-MPRA regulatory region 8762; plus strand). Cytogenetic location: 1q41.
Variant type: single nucleotide variant.
Coding change: c.2621T>C on transcript NM_206933.4 (MANE Select); coding-DNA position 2621, T replaced by C.
Protein change: p.Val874Ala; replaces valine 874 with alanine.
Molecular consequence: missense variant.
Genome position (GRCh38, 1-based): chr1:216,246,773, A>G on the plus strand (T>C on the coding strand, the complement: USH2A is on the minus strand). VCF-style: chr1-216246773-A-G. GRCh37 (hg19) VCF-style: chr1-216420115-A-G.
Other names: c.2621T>C, p.Val874Ala (NM_007123.6); short protein forms V874A.
Identifiers: ClinVar variation 1310175 (VCV001310175.4), dbSNP rs2036055708, ClinGen allele CA344864401.
Genomic context (GRCh38, chr1:216,246,773, plus strand): 5'-AAATTGTCAATGGTCAAATTGTACCTGTGAGGCTCACACTGATTACAGCGAAGACCTGTT[A>G]CCCCTAATTTGCAAGGACATTGTCCTGTTGATTTGTTACACAGCAGAGAGCCATTTATTG-3'
Protein context (NP_996816.3, residues 864-884): STGQCPCKLG[Val874Ala]TGLRCNQCEP